The following is an entry in ClinVar:

ClinVar aggregate classification (germline): Benign/Likely benign. Review status: criteria provided, multiple submitters, no conflicts (2 of 4 stars). 7 submissions from 7 submitters: Benign (5); Likely benign (2). Last evaluated 2026-02-02.

Conditions:
Amyotrophic lateral sclerosis type 21. Also called: VOCAL CORD AND PHARYNGEAL DYSFUNCTION WITH DISTAL MYOPATHY; MYOPATHY, DISTAL, 2. Identifiers: Orphanet 600, Orphanet 803, MedGen C3807521, MONDO:0011632, OMIM 606070.

Allele frequency attached by ClinVar (database versions not stated): 1000 Genomes Project 30x 0.00718; 1000 Genomes Project 0.00719; ExAC 0.01411; gnomAD exomes 0.01413 and 0.02260; ESP Exome Variant Server 0.01707; gnomAD 0.01423 and 0.01434; TOPMed 0.01427.
gnomAD v4.1: 34,790 of 1,599,072 alleles (2.2%); highest among the groups gnomAD compares: Non-Finnish European, 2.6%; 482 homozygotes.

Submissions (23):

Labcorp Genetics (formerly Invitae), Labcorp
Classification: Benign for Amyotrophic lateral sclerosis type 21. Last evaluated: 2026-02-02. Review status: criteria provided, single submitter. Criteria: Invitae Variant Classification Sherloc (09022015). Collection method: clinical testing. Allele origin: germline.

GeneDx
Classification: Benign. Last evaluated: 2019-08-26. Review status: criteria provided, single submitter. Criteria: GeneDx Variant Classification Process June 2021. Collection method: clinical testing. Allele origin: germline. Affected: yes.
Comment: This variant is associated with the following publications: (PMID: 26493020)

Mayo Clinic Laboratories, Mayo Clinic
Classification: Benign. Last evaluated: 2018-06-15. Review status: criteria provided, single submitter. Criteria: ACMG Guidelines, 2015. Collection method: clinical testing. Allele origin: germline. Observed: 53 variant alleles.

Illumina Laboratory Services, Illumina
Classification: Benign for Amyotrophic lateral sclerosis type 21. Last evaluated: 2018-01-13. Review status: criteria provided, single submitter. Criteria: ICSL Variant Classification Criteria 13 December 2019. Collection method: clinical testing. Allele origin: germline.
Comment: This variant was observed in the ICSL laboratory as part of a predisposition screen in an ostensibly healthy population. It had not been previously curated by ICSL or reported in the Human Gene Mutation Database (HGMD: prior to June 1st, 2018), and was therefore a candidate for classification through an automated scoring system. Utilizing variant allele frequency, disease prevalence and penetrance estimates, and inheritance mode, an automated score was calculated to assess if this variant is too frequent to cause the disease. Based on the score and internal cut-off values, a variant classified as benign is not then subjected to further curation. The score for this variant resulted in a classification of benign for this disease.

Athena Diagnostics
Classification: Benign. Last evaluated: 2016-11-11. Review status: criteria provided, single submitter. Criteria: Athena Diagnostics Criteria. Collection method: clinical testing. Allele origin: germline.

Breakthrough Genomics
Classification: Likely benign. Review status: criteria provided, single submitter. Criteria: ACMG Guidelines, 2015. Collection method: not provided. Allele origin: germline. Inheritance: Autosomal dominant inheritance. Affected: yes.

PreventionGenetics, part of Exact Sciences
Classification: Likely benign. Review status: criteria provided, single submitter. Criteria: ACMG Guidelines, 2015. Collection method: clinical testing. Allele origin: germline.

Dr. Peter K. Rogan Lab, Western University
No classification provided (evidence only). Condition: Lung cancer. Review status: no classification provided. Collection method: in vitro. Allele origin: not applicable. Functional consequence: retained intron. Not counted in ClinVar's aggregate classification.

Dr. Peter K. Rogan Lab, Western University
No classification provided (evidence only). Condition: Acute myeloid leukemia. Review status: no classification provided. Collection method: in vitro. Allele origin: not applicable. Functional consequence: retained intron. Not counted in ClinVar's aggregate classification.

Dr. Peter K. Rogan Lab, Western University
No classification provided (evidence only). Condition: Acute myeloid leukemia. Review status: no classification provided. Collection method: in vitro. Allele origin: not applicable. Functional consequence: retained intron. Not counted in ClinVar's aggregate classification.

Dr. Peter K. Rogan Lab, Western University
No classification provided (evidence only). Condition: Acute myeloid leukemia. Review status: no classification provided. Collection method: in vitro. Allele origin: not applicable. Functional consequence: retained intron. Not counted in ClinVar's aggregate classification.

Dr. Peter K. Rogan Lab, Western University
No classification provided (evidence only). Condition: Acute myeloid leukemia. Review status: no classification provided. Collection method: in vitro. Allele origin: not applicable. Functional consequence: retained intron. Not counted in ClinVar's aggregate classification.

Dr. Peter K. Rogan Lab, Western University
No classification provided (evidence only). Condition: Acute myeloid leukemia. Review status: no classification provided. Collection method: in vitro. Allele origin: not applicable. Functional consequence: retained intron. Not counted in ClinVar's aggregate classification.

Dr. Peter K. Rogan Lab, Western University
No classification provided (evidence only). Condition: Cervical cancer. Review status: no classification provided. Collection method: in vitro. Allele origin: not applicable. Functional consequence: retained intron. Not counted in ClinVar's aggregate classification.

Dr. Peter K. Rogan Lab, Western University
No classification provided (evidence only). Condition: Cervical cancer. Review status: no classification provided. Collection method: in vitro. Allele origin: not applicable. Functional consequence: skipped exon. Not counted in ClinVar's aggregate classification.

Dr. Peter K. Rogan Lab, Western University
No classification provided (evidence only). Condition: Cervical cancer. Review status: no classification provided. Collection method: in vitro. Allele origin: not applicable. Functional consequence: skipped exon, retained intron. Not counted in ClinVar's aggregate classification.

Dr. Peter K. Rogan Lab, Western University
No classification provided (evidence only). Condition: Cervical cancer. Review status: no classification provided. Collection method: in vitro. Allele origin: not applicable. Functional consequence: retained intron. Not counted in ClinVar's aggregate classification.

Dr. Peter K. Rogan Lab, Western University
No classification provided (evidence only). Condition: Ovarian serous cystadenocarcinoma. Review status: no classification provided. Collection method: in vitro. Allele origin: not applicable. Functional consequence: retained intron. Not counted in ClinVar's aggregate classification.

Dr. Peter K. Rogan Lab, Western University
No classification provided (evidence only). Condition: Gastric cancer. Review status: no classification provided. Collection method: in vitro. Allele origin: not applicable. Functional consequence: retained intron. Not counted in ClinVar's aggregate classification.

Dr. Peter K. Rogan Lab, Western University
No classification provided (evidence only). Condition: Gastric cancer. Review status: no classification provided. Collection method: in vitro. Allele origin: not applicable. Functional consequence: retained intron. Not counted in ClinVar's aggregate classification.

Dr. Peter K. Rogan Lab, Western University
No classification provided (evidence only). Condition: Gastric cancer. Review status: no classification provided. Collection method: in vitro. Allele origin: not applicable. Functional consequence: retained intron. Not counted in ClinVar's aggregate classification.

Dr. Peter K. Rogan Lab, Western University
No classification provided (evidence only). Condition: Uveal melanoma. Review status: no classification provided. Collection method: in vitro. Allele origin: not applicable. Functional consequence: skipped exon. Not counted in ClinVar's aggregate classification.

Dr. Peter K. Rogan Lab, Western University
No classification provided (evidence only). Condition: Malignant tumor of esophagus. Review status: no classification provided. Collection method: in vitro. Allele origin: not applicable. Functional consequence: skipped exon. Not counted in ClinVar's aggregate classification.

NM_018834.6(MATR3):c.1602+6A>G

Gene: MATR3 (matrin 3; plus strand). Cytogenetic location: 5q31.2.
Variant type: single nucleotide variant.
Coding change: c.1602+6A>G on transcript NM_018834.6 (MANE Select); 6 bases into the intron after coding-DNA position 1602, A replaced by G.
Molecular consequence: intron variant.
Genome position (GRCh38, 1-based): chr5:139,319,507, A>G. VCF-style: chr5-139319507-A-G. GRCh37 (hg19) VCF-style: chr5-138655196-A-G.
Other names: p.?; c.1602+6A>G (NM_199189.3, NM_001194954.2, NM_001194955.2); c.588+6A>G (NM_001282278.2); c.738+6A>G (NM_001194956.2).
Identifiers: ClinVar variation 263208 (VCV000263208.21), dbSNP rs80036770, ClinGen allele CA3433177.
Genomic context (GRCh38, chr5:139,319,507, plus strand): 5'-TGCTGAGCCTTATGGGAAAATAAAGAATTACATATTGATGAGGATGAAAAGTCAGGTAAT[A>G]TACATAAGGAAGTTTTAGAGAAGATAATTTATTAAAATCCTTAAGATTTTTCAATATGGA-3'